The following is an entry in ClinVar:

NM_004656.4(BAP1):c.841C>G (p.Leu281Val)

Gene: BAP1 (BRCA1 associated deubiquitinase 1; minus strand). Cytogenetic location: 3p21.1.
Variant type: single nucleotide variant.
Coding change: c.841C>G on transcript NM_004656.4 (MANE Select); coding-DNA position 841, C replaced by G.
Protein change: p.Leu281Val; replaces leucine 281 with valine.
Molecular consequence: missense variant.
Genome position (GRCh38, 1-based): chr3:52,405,855, G>C on the plus strand (C>G on the coding strand, the complement: BAP1 is on the minus strand). VCF-style: chr3-52405855-G-C. GRCh37 (hg19) VCF-style: chr3-52439871-G-C.
Other names: short protein forms L281V.
Identifiers: ClinVar variation 921213 (VCV000921213.4), dbSNP rs1705139757, ClinGen allele CA353106793.

ClinVar aggregate classification (germline): Uncertain significance (1 of 4 stars; one submission).

Conditions:
Hereditary cancer-predisposing syndrome. Also called: Neoplastic Syndromes, Hereditary; Tumor predisposition; Hereditary Cancer Syndrome; Hereditary neoplastic syndrome. Identifiers: Orphanet 140162, MedGen C0027672, MeSH D009386, MONDO:0015356.

Submission:

Color Diagnostics, LLC DBA Color Health
Classification: Uncertain significance for Hereditary cancer-predisposing syndrome. Last evaluated: 2023-12-04. Review status: criteria provided, single submitter. Criteria: ACMG Guidelines, 2015. Collection method: clinical testing. Allele origin: germline.
Comment: This missense variant replaces leucine with valine at codon 281 of the BAP1 protein. Computational prediction suggests that this variant may not impact protein structure and function (internally defined REVEL score threshold <= 0.5, PMID: 27666373). To our knowledge, functional studies have not been reported for this variant. This variant has not been reported in individuals affected with BAP1-related disorders in the literature. This variant has not been identified in the general population by the Genome Aggregation Database (gnomAD). The available evidence is insufficient to determine the role of this variant in disease conclusively. Therefore, this variant is classified as a Variant of Uncertain Significance.